The following is an entry in ClinVar:

NM_015102.5(NPHP4):c.2126A>G (p.Asp709Gly)

Gene: NPHP4 (nephrocystin 4; minus strand). Cytogenetic location: 1p36.31.
Variant type: single nucleotide variant.
Coding change: c.2126A>G on transcript NM_015102.5 (MANE Select); coding-DNA position 2126, A replaced by G.
Protein change: p.Asp709Gly; replaces aspartic acid 709 with glycine.
Molecular consequence: missense variant. On other transcripts: non-coding transcript variant (1).
Genome position (GRCh38, 1-based): chr1:5,904,634, T>C on the plus strand (A>G on the coding strand, the complement: NPHP4 is on the minus strand). VCF-style: chr1-5904634-T-C. GRCh37 (hg19) VCF-style: chr1-5964694-T-C.
Other names: c.587A>G, p.Asp196Gly (NM_001291593.2); c.590A>G, p.Asp197Gly (NM_001291594.2); short protein forms D196G, D197G, D709G.
Identifiers: ClinVar variation 2500152 (VCV002500152.3), dbSNP rs926092150, ClinGen allele CA17124247.

ClinVar aggregate classification (germline): Uncertain significance. Review status: criteria provided, multiple submitters, no conflicts (2 of 4 stars). 2 submissions from 2 submitters: Uncertain significance (2). Last evaluated 2024-06-14.

Conditions:
Nephronophthisis 4 (NPHP4). Also called: NEPHRONOPHTHISIS 4, JUVENILE. Identifiers: Orphanet 655, MedGen C1847013, MONDO:0011752, OMIM 606966.
Senior-Loken syndrome 4 (SLSN4). Identifiers: Orphanet 3156, MedGen C1846979, MONDO:0011756, OMIM 606996.
Bardet-Biedl syndrome (BBS). Identifiers: Orphanet 110, MedGen C0752166, MONDO:0015229.

gnomAD v4.1: 4 of 1,610,508 alleles (0.00025%); highest among the groups gnomAD compares: African/African-American, 0.0027%; no homozygotes.

Submissions (2):

Fulgent Genetics
Classification: Uncertain significance for Nephronophthisis 4; Senior-Loken syndrome 4. Last evaluated: 2024-06-14. Review status: criteria provided, single submitter. Criteria: ACMG Guidelines, 2015. Collection method: clinical testing. Allele origin: germline.

SN ONGC Dept of Genetics and Molecular biology Vision Research Foundation
Classification: Uncertain significance for Bardet-Biedl syndrome. Last evaluated: 2023-06-02. Review status: criteria provided, single submitter. Criteria: ACMG Guidelines, 2015. Collection method: research. Allele origin: unknown. Affected: yes. Observed: 1 heterozygote.
Comment: This variant was observed in digenic inheritance with the variant NC_000001.10:g.216074214G>A.